The following is an entry in ClinVar:

NM_001363711.2(DUOX2):c.2729A>G (p.Glu910Gly)

Gene: DUOX2 (dual oxidase 2; minus strand). Cytogenetic location: 15q21.1.
Variant type: single nucleotide variant.
Coding change: c.2729A>G on transcript NM_001363711.2 (MANE Select); coding-DNA position 2729, A replaced by G.
Protein change: p.Glu910Gly; replaces glutamic acid 910 with glycine.
Molecular consequence: missense variant.
Genome position (GRCh38, 1-based): chr15:45,101,915, T>C on the plus strand (A>G on the coding strand, the complement: DUOX2 is on the minus strand). VCF-style: chr15-45101915-T-C. GRCh37 (hg19) VCF-style: chr15-45394113-T-C.
Other names: c.2729A>G, p.Glu910Gly (NM_014080.5); short protein forms E910G.
Identifiers: ClinVar variation 1363844 (VCV001363844.7), dbSNP rs143787928, ClinGen allele CA270124920.

ClinVar aggregate classification (germline): Uncertain significance (1 of 4 stars; one submission).

Allele frequency attached by ClinVar (database versions not stated): TOPMed below 0.00001; gnomAD 0.00001; gnomAD exomes 0.00001 and 0.00003; ESP Exome Variant Server 0.00008.
gnomAD v4.1: 38 of 1,614,026 alleles (0.0024%); highest among the groups gnomAD compares: Non-Finnish European, 0.0031%; no homozygotes.

Submission:

Labcorp Genetics (formerly Invitae), Labcorp
Classification: Uncertain significance. Last evaluated: 2025-10-12. Review status: criteria provided, single submitter. Criteria: Invitae Variant Classification Sherloc (09022015). Collection method: clinical testing. Allele origin: germline.
Comment: This sequence change replaces glutamic acid, which is acidic and polar, with glycine, which is neutral and non-polar, at codon 910 of the DUOX2 protein (p.Glu910Gly). This variant is present in population databases (rs143787928, gnomAD 0.002%). This missense change has been observed in individual(s) with inflammatory bowel disease (PMID: 33651715). ClinVar contains an entry for this variant (Variation ID: 1363844). Invitae Evidence Modeling of protein sequence and biophysical properties (such as structural, functional, and spatial information, amino acid conservation, physicochemical variation, residue mobility, and thermodynamic stability) has been performed for this missense variant. However, the output from this modeling did not meet the statistical confidence thresholds required to predict the impact of this variant on DUOX2 protein function. In summary, the available evidence is currently insufficient to determine the role of this variant in disease. Therefore, it has been classified as a Variant of Uncertain Significance.

Literature cited by the submitters: PubMed 33651715.